The following is an entry in ClinVar:

NM_001128840.3(CACNA1D):c.1780G>A (p.Val594Met)

Gene: CACNA1D (calcium voltage-gated channel subunit alpha1 D; plus strand). Cytogenetic location: 3p21.1.
Variant type: single nucleotide variant.
Coding change: c.1780G>A on transcript NM_001128840.3 (MANE Select); coding-DNA position 1780, G replaced by A.
Protein change: p.Val594Met; replaces valine 594 with methionine.
Molecular consequence: missense variant.
Genome position (GRCh38, 1-based): chr3:53,723,547, G>A. VCF-style: chr3-53723547-G-A. GRCh37 (hg19) VCF-style: chr3-53757574-G-A.
Other names: c.1840G>A, p.Val614Met (NM_000720.4); c.1780G>A, p.Val594Met (NM_001128839.3); short protein forms V614M, V594M.
Identifiers: ClinVar variation 1416771 (VCV001416771.8), dbSNP rs2094902820, ClinGen allele CA353237063.

ClinVar aggregate classification (germline): Uncertain significance (1 of 4 stars; one submission).

Allele frequency attached by ClinVar (database versions not stated): gnomAD 0.00001.
gnomAD v4.1: 3 of 1,613,914 alleles (0.00019%); highest among the groups gnomAD compares: Non-Finnish European, 0.00025%; no homozygotes.

Submission:

Labcorp Genetics (formerly Invitae), Labcorp
Classification: Uncertain significance. Last evaluated: 2024-09-11. Review status: criteria provided, single submitter. Criteria: Invitae Variant Classification Sherloc (09022015). Collection method: clinical testing. Allele origin: germline.
Comment: This sequence change replaces valine, which is neutral and non-polar, with methionine, which is neutral and non-polar, at codon 614 of the CACNA1D protein (p.Val614Met). This variant is not present in population databases (gnomAD no frequency). This variant has not been reported in the literature in individuals affected with CACNA1D-related conditions. ClinVar contains an entry for this variant (Variation ID: 1416771). Invitae Evidence Modeling of protein sequence and biophysical properties (such as structural, functional, and spatial information, amino acid conservation, physicochemical variation, residue mobility, and thermodynamic stability) indicates that this missense variant is expected to disrupt CACNA1D protein function with a positive predictive value of 80%. In summary, the available evidence is currently insufficient to determine the role of this variant in disease. Therefore, it has been classified as a Variant of Uncertain Significance.